The following is an entry in ClinVar:

NM_004656.4(BAP1):c.2186A>C (p.Gln729Pro)

Gene: BAP1 (BRCA1 associated deubiquitinase 1; minus strand). Cytogenetic location: 3p21.1.
Variant type: single nucleotide variant.
Coding change: c.2186A>C on transcript NM_004656.4 (MANE Select); coding-DNA position 2186, A replaced by C.
Protein change: p.Gln729Pro; replaces glutamine 729 with proline.
Molecular consequence: missense variant.
Genome position (GRCh38, 1-based): chr3:52,402,292, T>G on the plus strand (A>C on the coding strand, the complement: BAP1 is on the minus strand). VCF-style: chr3-52402292-T-G. GRCh37 (hg19) VCF-style: chr3-52436308-T-G.
Other names: c.2132A>C, p.Gln711Pro (NM_001410772.1); short protein forms Q729P, Q711P.
Identifiers: ClinVar variation 4620673 (VCV004620673.1).
Genomic context (GRCh38, chr3:52,402,292, plus strand): 5'-GACCCTGGTGAGGGCCACACGGCAAGAGTGGGCTGCAGAGTCAGGGCCAGCAGTCCTCAC[T>G]GGCGCTTGGCCTTGTAGGGGCGAGAGCGTTTCCGCCGGTCAGGCTTCCGCTGCTTGTGGA-3'
Protein context (NP_004647.1, residues 719-729): KRSRPYKAKR[Gln729Pro]

ClinVar aggregate classification (germline): Uncertain significance (1 of 4 stars; one submission).

Conditions:
Hereditary cancer-predisposing syndrome. Also called: Neoplastic Syndromes, Hereditary; Tumor predisposition; Hereditary Cancer Syndrome; Hereditary neoplastic syndrome. Identifiers: Orphanet 140162, MedGen C0027672, MeSH D009386, MONDO:0015356.

Submission:

Ambry Genetics
Classification: Uncertain significance for Hereditary cancer-predisposing syndrome. Last evaluated: 2025-11-08. Review status: criteria provided, single submitter. Criteria: Ambry Variant Classification Scheme 2023. Collection method: clinical testing. Allele origin: germline.
Comment: The p.Q729P variant (also known as c.2186A>C), located in coding exon 17 of the BAP1 gene, results from an A to C substitution at nucleotide position 2186. The glutamine at codon 729 is replaced by proline, an amino acid with similar properties. This amino acid position is conserved. In addition, the in silico prediction for this alteration is inconclusive. Based on the available evidence, the clinical significance of this variant remains unclear.